The following is an entry in ClinVar:

NM_001009944.3(PKD1):c.11506_11520dup (p.His3840_Asn3841insPheLeuGlnLeuHis)

Genes: PKD1 (polycystin 1, transient receptor potential channel interacting; minus strand), PKD1-AS1 (PKD1 antisense RNA 1; plus strand). Cytogenetic location: 16p13.3.
Variant type: Duplication.
Coding change: c.11506_11520dup on transcript NM_001009944.3 (MANE Select); coding-DNA positions 11506 to 11520, 15 bases duplicated (TTCCTGCAGCTGCAC).
Protein change: p.His3840_Asn3841insPheLeuGlnLeuHis.
Genome position (GRCh38, 1-based): chr16:2,091,798-2,091,812, GTGCAGCTGCAGGAA duplicated on the plus strand (TTCCTGCAGCTGCAC on the coding strand, the reverse complement: PKD1 is on the minus strand); duplicating any 15 consecutive bases within chr16:2,091,798-2,091,813 gives the same sequence; the c. name uses the placement nearest the transcript's 3' end. VCF-style (leftmost placement, unchanged base first): chr16-2091797-T-TGTGCAGCTGCAGGAA. GRCh37 (hg19) VCF-style: chr16-2141798-T-TGTGCAGCTGCAGGAA.
Other names: c.11503_11517dup, p.His3839_Asn3840insPheLeuGlnLeuHis (NM_000296.4); c.11506_11520dup (NM_001009944.2).
Identifiers: ClinVar variation 4927553 (VCV004927553.2).
Genomic context (GRCh38, chr16:2,091,797, plus strand): 5'-GTGACTGCGGCCACCCCGGAGAGGGCAGGGGAGGGAGCTCCCACCTGTTGTCCAGCCAGT[T>TGTGCAGCTGCAGGAA]GTGCAGCTGCAGGAAGCGCAGCCGGTCGCGGCTCTCCTCCAGGCTCAGGCCCAGCTCCTG-3'

ClinVar aggregate classification (germline): Uncertain significance. Review status: criteria provided, multiple submitters, no conflicts (2 of 4 stars). 2 submissions from 2 submitters: Uncertain significance (2). Last evaluated 2026-04-06.

Submissions (2):

GeneDx
Classification: Uncertain significance. Last evaluated: 2026-04-06. Review status: criteria provided, single submitter. Criteria: GeneDx Variant Classification Process June 2021. Collection method: clinical testing. Allele origin: germline.
Comment: In-frame duplication of 5 amino acid(s) in a non-repeat region; Not observed at significant frequency in large population cohorts (gnomAD); Has not been previously published as pathogenic or benign to our knowledge

Blueprint Genetics
Classification: Uncertain significance. Last evaluated: 2022-07-08. Review status: criteria provided, single submitter. Criteria: ACMG Guidelines, 2015. Collection method: clinical testing. Allele origin: germline.